The following is an entry in ClinVar:

NM_001382430.1(AKT1):c.340GAG[5] (p.Glu117dup)

Gene: AKT1 (AKT serine/threonine kinase 1; minus strand). Cytogenetic location: 14q32.33.
Variant type: Microsatellite.
Coding change: c.340GAG[5] on transcript NM_001382430.1 (MANE Select); five copies in a row of the 3-base unit GAG starting at c.340; the reference has four copies in a row; one copy, 3 bases duplicated.
Protein change: p.Glu117dup; duplicates glutamic acid 117.
Molecular consequence: inframe insertion.
Genome position (GRCh38, 1-based): chr14:104,775,736-104,775,738, CTC duplicated on the plus strand (GAG on the coding strand, the reverse complement: AKT1 is on the minus strand); duplicating any 3 consecutive bases within chr14:104,775,736-104,775,749 gives the same sequence; the position shown is the placement nearest the transcript's 3' end. VCF-style (leftmost placement, unchanged base first): chr14-104775735-T-TCTC. GRCh37 (hg19) VCF-style: chr14-105242072-T-TCTC.
Other names: c.340GAG[5], p.Glu117dup (NM_001014431.2, NM_001014432.2, NM_001382431.1 and 3 more transcripts).
Identifiers: ClinVar variation 1410855 (VCV001410855.6), dbSNP rs768025881, ClinGen allele CA616458258.
Genomic context (GRCh38, chr14:104,775,735, plus strand): 5'-GGGACACCTCCATCTCTTCAGCCCCTGAGTTGTCACTGGGTGAGCCCGACCGGAAGTCCA[T>TCTC]CTCCTCCTCCTCCTGCTTCTTGAGGCCGTCAGCCACAGTCTGGATGGCGGTTGTCCACTC-3'

ClinVar aggregate classification (germline): Uncertain significance (1 of 4 stars; one submission).

Conditions:
Cowden syndrome 6 (CWS6). Identifiers: Orphanet 201, MedGen C3554519, MONDO:0014048, OMIM 615109.

Submission:

Labcorp Genetics (formerly Invitae), Labcorp
Classification: Uncertain significance for Cowden syndrome 6. Last evaluated: 2023-01-13. Review status: criteria provided, single submitter. Criteria: Invitae Variant Classification Sherloc (09022015). Collection method: clinical testing. Allele origin: germline.
Comment: This variant, c.349_351dup, results in the insertion of 1 amino acid(s) of the AKT1 protein (p.Glu117dup), but otherwise preserves the integrity of the reading frame. This variant is present in population databases (no rsID available, gnomAD 0.0009%). This variant has not been reported in the literature in individuals affected with AKT1-related conditions. Experimental studies and prediction algorithms are not available or were not evaluated, and the functional significance of this variant is currently unknown. In summary, the available evidence is currently insufficient to determine the role of this variant in disease. Therefore, it has been classified as a Variant of Uncertain Significance.